The following is an entry in ClinVar:

ClinVar aggregate classification (germline): Uncertain significance (1 of 4 stars; one submission).

Submission:

Labcorp Genetics (formerly Invitae), Labcorp
Classification: Uncertain significance. Last evaluated: 2021-06-24. Review status: criteria provided, single submitter. Criteria: Invitae Variant Classification Sherloc (09022015). Collection method: clinical testing. Allele origin: germline.
Comment: Algorithms developed to predict the effect of missense changes on protein structure and function (SIFT, PolyPhen-2, Align-GVGD) all suggest that this variant is likely to be disruptive, but these predictions have not been confirmed by published functional studies and their clinical significance is uncertain. In summary, the available evidence is currently insufficient to determine the role of this variant in disease. Therefore, it has been classified as a Variant of Uncertain Significance. This variant has not been reported in the literature in individuals with RAI1-related conditions. This variant is not present in population databases (ExAC no frequency). This sequence change replaces proline with threonine at codon 550 of the RAI1 protein (p.Pro550Thr). The proline residue is highly conserved and there is a small physicochemical difference between proline and threonine.

NM_030665.4(RAI1):c.1648C>A (p.Pro550Thr)

Gene: RAI1 (retinoic acid induced 1; plus strand). Cytogenetic location: 17p11.2.
Variant type: single nucleotide variant.
Coding change: c.1648C>A on transcript NM_030665.4 (MANE Select); coding-DNA position 1648, C replaced by A.
Protein change: p.Pro550Thr; replaces proline 550 with threonine.
Molecular consequence: missense variant.
Genome position (GRCh38, 1-based): chr17:17,794,596, C>A. VCF-style: chr17-17794596-C-A. GRCh37 (hg19) VCF-style: chr17-17697910-C-A.
Other names: short protein forms P550T.
Identifiers: ClinVar variation 1363891 (VCV001363891.8), dbSNP rs2143001996, ClinGen allele CA398548893.
Genomic context (GRCh38, chr17:17,794,596, plus strand): 5'-CTCTACTGCAACCAGGCCCGTGGCAGCCCTGCCAGGGTCAACAGCAACTCGAAGGCCAAG[C>A]CCGAGTCCGTGTCCACCTGTTCTGTGACCTCTCCTGACGACATGTCCACCAAATCTGACG-3'
Protein context (NP_109590.3, residues 540-560): ARVNSNSKAK[Pro550Thr]ESVSTCSVTS